The following is an entry in ClinVar:

ClinVar aggregate classification (germline): Uncertain significance (1 of 4 stars; one submission).

Conditions:
Inborn genetic diseases. Identifiers: MedGen C0950123, MeSH D030342.

Submission:

Ambry Genetics
Classification: Uncertain significance for Inborn genetic diseases. Last evaluated: 2025-10-28. Review status: criteria provided, single submitter. Criteria: Ambry Variant Classification Scheme 2023. Collection method: clinical testing. Allele origin: germline.
Comment: The p.I704T variant (also known as c.2111T>C), located in coding exon 13 of the RECQL4 gene, results from a T to C substitution at nucleotide position 2111. The isoleucine at codon 704 is replaced by threonine, an amino acid with similar properties. This amino acid position is conserved. In addition, this alteration is predicted to be deleterious by in silico analysis. Based on the available evidence, the clinical significance of this variant remains unclear.

NM_004260.4(RECQL4):c.2111T>C (p.Ile704Thr)

Gene: RECQL4 (RecQ like helicase 4; minus strand). Cytogenetic location: 8q24.3.
Variant type: single nucleotide variant.
Coding change: c.2111T>C on transcript NM_004260.4 (MANE Select); coding-DNA position 2111, T replaced by C.
Protein change: p.Ile704Thr; replaces isoleucine 704 with threonine.
Molecular consequence: missense variant. On other transcripts: non-coding transcript variant (2).
Genome position (GRCh38, 1-based): chr8:144,513,660, A>G on the plus strand (T>C on the coding strand, the complement: RECQL4 is on the minus strand). VCF-style: chr8-144513660-A-G. GRCh37 (hg19) VCF-style: chr8-145739044-A-G.
Other names: c.974T>C, p.Ile325Thr (NM_001413027.1, NM_001413030.1, NM_001413032.1 and 1 more transcripts); c.1040T>C, p.Ile347Thr (NM_001413028.1, NM_001413034.1, NM_001413035.1 and 6 more transcripts); c.1760T>C, p.Ile587Thr (NM_001413029.1); c.842T>C, p.Ile281Thr (NM_001413031.1); c.1979T>C, p.Ile660Thr (NM_001413033.1); c.2111T>C, p.Ile704Thr (NM_001413036.1, NM_001413018.1, NM_001413019.1); c.2015T>C, p.Ile672Thr (NM_001413017.1, NM_001413020.1); c.1982T>C, p.Ile661Thr (NM_001413025.1); and 4 more; short protein forms I303T, I325T, I661T, I694T, I347T, I587T, I672T, I281T.
Identifiers: ClinVar variation 4628959 (VCV004628959.1).